The following is an entry in ClinVar:

ClinVar aggregate classification (germline): Likely benign (1 of 4 stars; one submission).

Allele frequency attached by ClinVar (database versions not stated): gnomAD exomes 0.00001; ExAC 0.00035; 1000 Genomes Project 0.00060.

Submission:

CeGaT Center for Human Genetics Tuebingen
Classification: Likely benign. Last evaluated: 2026-06-01. Review status: criteria provided, single submitter. Criteria: CeGaT Center For Human Genetics Tuebingen Variant Classification Criteria Version 2. Collection method: clinical testing. Allele origin: germline. Affected: yes. Observed: 3 variant alleles.
Comment: FCGBP: BP4, BP7

NM_003890.3(FCGBP):c.10257C>G (p.Pro3419=)

Gene: FCGBP (Fc gamma binding protein; minus strand). Cytogenetic location: 19q13.2.
Variant type: single nucleotide variant.
Coding change: c.10257C>G on transcript NM_003890.3 (MANE Select); coding-DNA position 10257, C replaced by G.
Protein change: p.Pro3419=; no amino-acid change (proline 3419 retained).
Molecular consequence: synonymous variant.
Genome position (GRCh38, 1-based): chr19:39,891,989, G>C on the plus strand (C>G on the coding strand, the complement: FCGBP is on the minus strand). VCF-style: chr19-39891989-G-C. GRCh37 (hg19) VCF-style: chr19-40382629-G-C.
Identifiers: ClinVar variation 2649851 (VCV002649851.24), dbSNP rs201046280, ClinGen allele CA9436200.